The following is an entry in ClinVar:

ClinVar aggregate classification (germline): Uncertain significance (1 of 4 stars; one submission).

Allele frequency attached by ClinVar (database versions not stated): gnomAD 0.00001; gnomAD exomes 0.00001 and 0.00003; TOPMed 0.00001; ExAC 0.00005.
gnomAD v4.1: 18 of 1,613,800 alleles (0.0011%); highest among the groups gnomAD compares: Non-Finnish European, 0.0014%; no homozygotes.

Submission:

Labcorp Genetics (formerly Invitae), Labcorp
Classification: Uncertain significance. Last evaluated: 2022-01-18. Review status: criteria provided, single submitter. Criteria: Invitae Variant Classification Sherloc (09022015). Collection method: clinical testing. Allele origin: germline.
Comment: This sequence change replaces threonine, which is neutral and polar, with isoleucine, which is neutral and non-polar, at codon 764 of the PCLO protein (p.Thr764Ile). This variant is present in population databases (rs765088404, gnomAD 0.006%). This variant has not been reported in the literature in individuals affected with PCLO-related conditions. Algorithms developed to predict the effect of missense changes on protein structure and function output the following: SIFT: "Tolerated"; PolyPhen-2: "Not Available"; Align-GVGD: "Class C0". The isoleucine amino acid residue is found in multiple mammalian species, which suggests that this missense change does not adversely affect protein function. In summary, the available evidence is currently insufficient to determine the role of this variant in disease. Therefore, it has been classified as a Variant of Uncertain Significance.

NM_033026.6(PCLO):c.2291C>T (p.Thr764Ile)

Gene: PCLO (piccolo presynaptic cytomatrix protein; minus strand). Cytogenetic location: 7q21.11.
Variant type: single nucleotide variant.
Coding change: c.2291C>T on transcript NM_033026.6 (MANE Select); coding-DNA position 2291, C replaced by T.
Protein change: p.Thr764Ile; replaces threonine 764 with isoleucine.
Molecular consequence: missense variant.
Genome position (GRCh38, 1-based): chr7:83,135,259, G>A on the plus strand (C>T on the coding strand, the complement: PCLO is on the minus strand). VCF-style: chr7-83135259-G-A. GRCh37 (hg19) VCF-style: chr7-82764575-G-A.
Other names: c.2291C>T, p.Thr764Ile (NM_014510.3); short protein forms T764I.
Identifiers: ClinVar variation 1437093 (VCV001437093.5), dbSNP rs765088404, ClinGen allele CA4321285.